The following is an entry in ClinVar:

NM_022821.4(ELOVL1):c.100A>C (p.Ile34Leu)

Gene: ELOVL1 (ELOVL fatty acid elongase 1; minus strand). Cytogenetic location: 1p34.2.
Variant type: single nucleotide variant.
Coding change: c.100A>C on transcript NM_022821.4 (MANE Select); coding-DNA position 100, A replaced by C.
Protein change: p.Ile34Leu; replaces isoleucine 34 with leucine.
Molecular consequence: missense variant. On other transcripts: non-coding transcript variant (1), intron variant (1).
Genome position (GRCh38, 1-based): chr1:43,365,323, T>G on the plus strand (A>C on the coding strand, the complement: ELOVL1 is on the minus strand). VCF-style: chr1-43365323-T-G. GRCh37 (hg19) VCF-style: chr1-43830994-T-G.
Other names: c.100A>C, p.Ile34Leu (NM_001256399.2, NM_001256401.2); c.-7+241A>C (NM_001256402.2); short protein forms I34L.
Identifiers: ClinVar variation 5020970 (VCV005020970.1).
Genomic context (GRCh38, chr1:43,365,323, plus strand): 5'-TCCGATTAGCCATGATGCGAGGCCCAAGTGAGAGAACGAAGTACACGTAGGTCAGGAGAA[T>G]GGAGGTCATTAGCAAGGGGGACCCCATCAGAGGGTAGCCCTGGATCCGGGGATCTATGAA-3'
Protein context (NP_073732.1, residues 24-44): LMGSPLLMTS[Ile34Leu]LLTYVYFVLS

ClinVar aggregate classification (germline): Uncertain significance (1 of 4 stars; one submission).

Submission:

Dasa
Classification: Uncertain significance. Last evaluated: 2025-04-16. Review status: criteria provided, single submitter. Criteria: DASA Assertion Criteria. Collection method: clinical testing. Allele origin: germline.
Comment: NM_022821.4(ELOVL1):c.100A>C (p.Ile34Leu) is a missense variant that results in the substitution of isoleucine with leucine. This variant is absent from population databases. Computational prediction algorithms are consistent with a benign effect. The currently available literature and clinical evidence are not sufficient to establish a definitive association between this variant and the reported condition. Therefore, this variant is classified as a variant of uncertain significance.